The following is an entry in ClinVar:

ClinVar aggregate classification (germline): Uncertain significance (1 of 4 stars; one submission).

Conditions:
Inborn genetic diseases. Identifiers: MedGen C0950123, MeSH D030342.

Submission:

Ambry Genetics
Classification: Uncertain significance for Inborn genetic diseases. Last evaluated: 2017-06-29. Review status: criteria provided, single submitter. Criteria: Ambry Variant Classification Scheme 2023. Collection method: clinical testing. Allele origin: germline.
Comment: The p.P2188T variant (also known as c.6562C>A), located in coding exon 7 of the ANKRD11 gene, results from a C to A substitution at nucleotide position 6562. The proline at codon 2188 is replaced by threonine, an amino acid with highly similar properties. This amino acid position is not conserved on species alignment. In addition, this alteration is predicted to be tolerated by in silico analysis. Since supporting evidence is limited at this time, the clinical significance of this alteration remains unclear.

NM_013275.6(ANKRD11):c.6562C>A (p.Pro2188Thr)

Gene: ANKRD11 (ankyrin repeat domain containing 11; minus strand). Cytogenetic location: 16q24.3.
Variant type: single nucleotide variant.
Coding change: c.6562C>A on transcript NM_013275.6 (MANE Select); coding-DNA position 6562, C replaced by A.
Protein change: p.Pro2188Thr; replaces proline 2188 with threonine.
Molecular consequence: missense variant.
Genome position (GRCh38, 1-based): chr16:89,279,980, G>T on the plus strand (C>A on the coding strand, the complement: ANKRD11 is on the minus strand). VCF-style: chr16-89279980-G-T. GRCh37 (hg19) VCF-style: chr16-89346388-G-T.
Other names: c.6562C>A, p.Pro2188Thr (NM_001256182.2, NM_001256183.2); short protein forms P2188T.
Identifiers: ClinVar variation 1754210 (VCV001754210.2), dbSNP rs1440622895, ClinGen allele CA397150575.